The following is an entry in ClinVar:

ClinVar aggregate classification (germline): Uncertain significance (1 of 4 stars; one submission).

Submission:

GeneDx
Classification: Uncertain significance. Last evaluated: 2024-11-12. Review status: criteria provided, single submitter. Criteria: GeneDx Variant Classification Process June 2021. Collection method: clinical testing. Allele origin: germline. Affected: yes.
Comment: Not observed at significant frequency in large population cohorts (gnomAD); In-frame deletion of 1 amino acid in a non-repeat region; In silico analysis supports a deleterious effect on protein structure/function; Has not been previously published as pathogenic or benign to our knowledge

NM_014991.6(WDFY3):c.4771TCT[1] (p.Ser1592del)

Gene: WDFY3 (WD repeat and FYVE domain containing 3; minus strand). Cytogenetic location: 4q21.23.
Variant type: Microsatellite.
Coding change: c.4771TCT[1] on transcript NM_014991.6 (MANE Select); one copy of the 3-base unit TCT starting at c.4771; the reference has two copies in a row; one copy, 3 bases deleted.
Protein change: p.Ser1592del; deletes serine 1592.
Molecular consequence: inframe deletion.
Genome position (GRCh38, 1-based): chr4:84,772,908-84,772,910, AGA deleted on the plus strand (TCT on the coding strand, the reverse complement: WDFY3 is on the minus strand); deleting any 3 consecutive bases within chr4:84,772,908-84,772,914 gives the same sequence; the position shown is the placement nearest the transcript's 3' end. VCF-style (leftmost placement, unchanged base first): chr4-84772907-TAGA-T. GRCh37 (hg19) VCF-style: chr4-85694060-TAGA-T.
Other names: short protein forms S1592del.
Identifiers: ClinVar variation 3899677 (VCV003899677.1).